The following is an entry in ClinVar:

ClinVar aggregate classification (germline): Benign. Review status: criteria provided, multiple submitters, no conflicts (2 of 4 stars). 2 submissions from 2 submitters: Benign (2). Last evaluated 2018-06-14.

Allele frequency attached by ClinVar (database versions not stated): TOPMed 0.03076; ESP Exome Variant Server 0.03137; gnomAD 0.03193 and 0.03371; gnomAD exomes 0.04014 and 0.04077; 1000 Genomes Project 30x 0.04076; 1000 Genomes Project 0.04153; ExAC 0.04154.
gnomAD v4.1: 63,734 of 1,608,948 alleles (4%); highest among the groups gnomAD compares: South Asian, 7.8%; 1,439 homozygotes.

Submissions (2):

GeneDx
Classification: Benign. Last evaluated: 2018-06-14. Review status: criteria provided, single submitter. Criteria: GeneDx Variant Classification (06012015). Collection method: clinical testing. Allele origin: germline. Affected: yes.
Comment: This variant is considered likely benign or benign based on one or more of the following criteria: it is a conservative change, it occurs at a poorly conserved position in the protein, it is predicted to be benign by multiple in silico algorithms, and/or has population frequency not consistent with disease.

Breakthrough Genomics
Classification: Benign. Review status: criteria provided, single submitter. Criteria: ACMG Guidelines, 2015. Collection method: not provided. Allele origin: germline. Inheritance: Autosomal dominant inheritance. Affected: yes.

NM_000093.5(COL5A1):c.2799+22C>T

Gene: COL5A1 (collagen type V alpha 1 chain; plus strand). Cytogenetic location: 9q34.3.
Variant type: single nucleotide variant.
Coding change: c.2799+22C>T on transcript NM_000093.5 (MANE Select); 22 bases into the intron after coding-DNA position 2799, C replaced by T.
Molecular consequence: intron variant.
Genome position (GRCh38, 1-based): chr9:134,795,337, C>T. VCF-style: chr9-134795337-C-T. GRCh37 (hg19) VCF-style: chr9-137687183-C-T.
Other names: c.2799+22C>T (NM_001278074.1).
Identifiers: ClinVar variation 673382 (VCV000673382.2), dbSNP rs76855839, ClinGen allele CA5319585.
Genomic context (GRCh38, chr9:134,795,337, plus strand): 5'-AGAGGCCCCCGGGGCATCACTGGGAAGCCTGGCCCCAAGGTATGTTTTTGGCCTCCTGGG[C>T]GGTGGGCGGCGTGAACCCAAGTTGCAAGGCTACAGAGACGTGGAGCGTCTGAGGGTGTCT-3'